The following is an entry in ClinVar:

NM_153026.3(PRICKLE1):c.341T>C (p.Ile114Thr)

Gene: PRICKLE1 (prickle planar cell polarity protein 1; minus strand). Cytogenetic location: 12q12.
Variant type: single nucleotide variant.
Coding change: c.341T>C on transcript NM_153026.3 (MANE Select); coding-DNA position 341, T replaced by C.
Protein change: p.Ile114Thr; replaces isoleucine 114 with threonine.
Molecular consequence: missense variant.
Genome position (GRCh38, 1-based): chr12:42,469,493, A>G on the plus strand (T>C on the coding strand, the complement: PRICKLE1 is on the minus strand). VCF-style: chr12-42469493-A-G. GRCh37 (hg19) VCF-style: chr12-42863295-A-G.
Other names: c.341T>C, p.Ile114Thr (NM_001144881.2, NM_001144882.2, NM_001144883.2); short protein forms I114T.
Identifiers: ClinVar variation 2116330 (VCV002116330.1), dbSNP rs1328518516, ClinGen allele CA384444195.
Genomic context (GRCh38, chr12:42,469,493, plus strand): 5'-GAGAAGGGGCTGCTCACCTGCTCACACACAGCATGCATGACTGCTCTGGACAGAAGCTTA[A>G]TTGTTCCTCTTCCCAGTGCTTCTTTCTTCCGCTGAGCACTGAACACCTGCAACTCTTTTT-3'
Protein context (NP_694571.2, residues 104-124): RKKEALGRGT[Ile114Thr]KLLSRAVMHA

ClinVar aggregate classification (germline): Uncertain significance (1 of 4 stars; one submission).

Conditions:
Epilepsy, progressive myoclonic, 1B. Also called: PME. Identifiers: Orphanet 308, MedGen C2676254, MONDO:0012904, OMIM 612437.

Allele frequency attached by ClinVar (database versions not stated): gnomAD exomes below 0.00001.

Submission:

Labcorp Genetics (formerly Invitae), Labcorp
Classification: Uncertain significance for Epilepsy, progressive myoclonic, 1B. Last evaluated: 2022-03-23. Review status: criteria provided, single submitter. Criteria: Invitae Variant Classification Sherloc (09022015). Collection method: clinical testing. Allele origin: germline.
Comment: This sequence change replaces isoleucine, which is neutral and non-polar, with threonine, which is neutral and polar, at codon 114 of the PRICKLE1 protein (p.Ile114Thr). This variant is present in population databases (no rsID available, gnomAD 0.003%). This variant has not been reported in the literature in individuals affected with PRICKLE1-related conditions. Algorithms developed to predict the effect of missense changes on protein structure and function (SIFT, PolyPhen-2, Align-GVGD) all suggest that this variant is likely to be tolerated. In summary, the available evidence is currently insufficient to determine the role of this variant in disease. Therefore, it has been classified as a Variant of Uncertain Significance.